The following is an entry in ClinVar:

ClinVar aggregate classification (germline): Pathogenic (1 of 4 stars; one submission).

Conditions:
X-linked Alport syndrome (ATS1). Also called: COL4A5-Related Nephropathy; NEPHROPATHY AND DEAFNESS, X-LINKED. Identifiers: Orphanet 63, Orphanet 88917, MedGen C4746986, MONDO:0010520, OMIM 301050.

Submission:

MVZ Medizinische Genetik Mainz
Classification: Pathogenic for X-linked Alport syndrome. Last evaluated: 2022-01-12. Review status: criteria provided, single submitter. Criteria: UK Practice Guidelines For Variant Classification V4 01 2020. Collection method: clinical testing. Allele origin: germline. Inheritance: X-linked dominant inheritance. Affected: yes. Observed: 1 variant allele.
Comment: ACMG Criteria: PM1_STR, PM5, PM2_SUP, PP2, PP3, PP4 (ACMG Version 3)

NM_033380.3(COL4A5):c.3595G>A (p.Gly1199Arg)

Gene: COL4A5 (collagen type IV alpha 5 chain; plus strand). Cytogenetic location: Xq22.3.
Variant type: single nucleotide variant.
Coding change: c.3595G>A on transcript NM_033380.3 (MANE Select); coding-DNA position 3595, G replaced by A.
Protein change: p.Gly1199Arg; replaces glycine 1199 with arginine.
Molecular consequence: missense variant.
Genome position (GRCh38, 1-based): chrX:108,667,174, G>A. VCF-style: chrX-108667174-G-A. GRCh37 (hg19) VCF-style: chrX-107910404-G-A.
Other names: c.3595G>A, p.Gly1199Arg (NM_000495.5); short protein forms G1199R.
Identifiers: ClinVar variation 3236227 (VCV003236227.1), dbSNP rs2524569936, ClinGen allele CA413848185.